The following is an entry in ClinVar:

ClinVar aggregate classification (germline): Uncertain significance (1 of 4 stars; one submission).

Allele frequency attached by ClinVar (database versions not stated): gnomAD exomes below 0.00001.
gnomAD v4.1: 3 of 1,611,464 alleles (0.00019%); highest among the groups gnomAD compares: Non-Finnish European, 0.00017%; no homozygotes.

Submission:

Labcorp Genetics (formerly Invitae), Labcorp
Classification: Uncertain significance. Last evaluated: 2021-09-24. Review status: criteria provided, single submitter. Criteria: Invitae Variant Classification Sherloc (09022015). Collection method: clinical testing. Allele origin: germline.
Comment: This sequence change replaces threonine with methionine at codon 38 of the HPS5 protein (p.Thr38Met). The threonine residue is highly conserved and there is a moderate physicochemical difference between threonine and methionine. This variant is not present in population databases (ExAC no frequency). This variant has not been reported in the literature in individuals with HPS5-related conditions. Algorithms developed to predict the effect of missense changes on protein structure and function are either unavailable or do not agree on the potential impact of this missense change (SIFT: "Deleterious"; PolyPhen-2: "Probably Damaging"; Align-GVGD: "Class C15"). In summary, the available evidence is currently insufficient to determine the role of this variant in disease. Therefore, it has been classified as a Variant of Uncertain Significance.

NM_181507.2(HPS5):c.113C>T (p.Thr38Met)

Gene: HPS5 (HPS5 biogenesis of lysosomal organelles complex 2 subunit 2; minus strand). Cytogenetic location: 11p15.1.
Variant type: single nucleotide variant.
Coding change: c.113C>T on transcript NM_181507.2 (MANE Select); coding-DNA position 113, C replaced by T.
Protein change: p.Thr38Met; replaces threonine 38 with methionine.
Molecular consequence: missense variant. On other transcripts: 5 prime UTR variant (1).
Genome position (GRCh38, 1-based): chr11:18,312,020, G>A on the plus strand (C>T on the coding strand, the complement: HPS5 is on the minus strand). VCF-style: chr11-18312020-G-A. GRCh37 (hg19) VCF-style: chr11-18333567-G-A.
Other names: c.-230C>T (NM_007216.4, NM_181508.2); short protein forms T38M.
Identifiers: ClinVar variation 1432004 (VCV001432004.5), dbSNP rs145406449, ClinGen allele CA218556165.